The following is an entry in ClinVar:

ClinVar aggregate classification (germline): Uncertain significance (1 of 4 stars; one submission).

Conditions:
Combined oxidative phosphorylation defect type 17. Also called: Combined oxidative phosphorylation deficiency 17. Identifiers: Orphanet 369913, MedGen C3809526, MONDO:0014190, OMIM 615440.

Allele frequency attached by ClinVar (database versions not stated): gnomAD 0.00001.
gnomAD v4.1: 2 of 1,614,054 alleles (0.00012%); highest among the groups gnomAD compares: East Asian, 0.0045%; no homozygotes.

Submission:

Labcorp Genetics (formerly Invitae), Labcorp
Classification: Uncertain significance for Combined oxidative phosphorylation defect type 17. Last evaluated: 2021-04-29. Review status: criteria provided, single submitter. Criteria: Invitae Variant Classification Sherloc (09022015). Collection method: clinical testing. Allele origin: germline.
Comment: In summary, the available evidence is currently insufficient to determine the role of this variant in disease. Therefore, it has been classified as a Variant of Uncertain Significance. Algorithms developed to predict the effect of missense changes on protein structure and function (SIFT, PolyPhen-2, Align-GVGD) all suggest that this variant is likely to be tolerated, but these predictions have not been confirmed by published functional studies and their clinical significance is uncertain. This variant has not been reported in the literature in individuals with ELAC2-related conditions. This variant is not present in population databases (ExAC no frequency). This sequence change replaces serine with asparagine at codon 208 of the ELAC2 protein (p.Ser208Asn). The serine residue is moderately conserved and there is a small physicochemical difference between serine and asparagine.

NM_018127.7(ELAC2):c.623G>A (p.Ser208Asn)

Gene: ELAC2 (elaC ribonuclease Z 2; minus strand). Cytogenetic location: 17p12.
Variant type: single nucleotide variant.
Coding change: c.623G>A on transcript NM_018127.7 (MANE Select); coding-DNA position 623, G replaced by A.
Protein change: p.Ser208Asn; replaces serine 208 with asparagine.
Molecular consequence: missense variant. On other transcripts: intron variant (1).
Genome position (GRCh38, 1-based): chr17:13,011,719, C>T on the plus strand (G>A on the coding strand, the complement: ELAC2 is on the minus strand). VCF-style: chr17-13011719-C-T. GRCh37 (hg19) VCF-style: chr17-12915036-C-T.
Other names: c.623G>A, p.Ser208Asn (NM_173717.2); c.560-1048G>A (NM_001165962.2); short protein forms S208N.
Identifiers: ClinVar variation 1424962 (VCV001424962.6), dbSNP rs1392434007, ClinGen allele CA398217479.